The following is an entry in ClinVar:

NM_024422.6(DSC2):c.595C>T (p.Arg199Cys)

Gene: DSC2 (desmocollin 2; minus strand). Cytogenetic location: 18q12.1.
Variant type: single nucleotide variant.
Coding change: c.595C>T on transcript NM_024422.6 (MANE Select); coding-DNA position 595, C replaced by T.
Protein change: p.Arg199Cys; replaces arginine 199 with cysteine.
Molecular consequence: missense variant.
Genome position (GRCh38, 1-based): chr18:31,089,474, G>A on the plus strand (C>T on the coding strand, the complement: DSC2 is on the minus strand). VCF-style: chr18-31089474-G-A. GRCh37 (hg19) VCF-style: chr18-28669437-G-A.
Other names: c.595C>T (LRG_400t1); c.595C>T, p.Arg199Cys (NM_004949.5); short protein forms R199C.
Identifiers: ClinVar variation 496660 (VCV000496660.35), dbSNP rs769787593, ClinGen allele CA038881.
Genomic context (GRCh38, chr18:31,089,474, plus strand): 5'-ACAGTACACACATTTTAGACTTTACCTCAAAAGATTCATACTGCTCACGATCTACAGGAC[G>A]AGTACAATACAAGTTTCCAGTGTCTCTCTCCACATAAAATAAATTCCGAGGTTCTTGGTC-3'
Protein context (NP_077740.1, residues 189-209): ERDTGNLYCT[Arg199Cys]PVDREQYESF

ClinVar aggregate classification (germline): Uncertain significance. Review status: criteria provided, multiple submitters, no conflicts (2 of 4 stars). 10 submissions from 10 submitters: Uncertain significance (10). Last evaluated 2025-08-24.

Conditions:
Arrhythmogenic right ventricular dysplasia 11. Also called: Arrhythmogenic right ventricular dysplasia 11 with mild palmoplantar keratoderma and woolly hair; Arrhythmogenic Right Ventricular Dysplasia/Cardiomyopathy11; ARRHYTHMOGENIC RIGHT VENTRICULAR DYSPLASIA, FAMILIAL, 11. Identifiers: MedGen C1864850, MONDO:0012506, OMIM 610476.
Arrhythmogenic right ventricular cardiomyopathy (ARVD). Also called: Arrhythmogenic cardiomyopathy; Arrhythmogenic Right Ventricular Cardiomyopathy (ARVC); Cardiomyopathy, ARVC; Arrhythmogenic right ventricular dysplasia. Identifiers: Orphanet 247, MedGen C0349788, MeSH D019571, MONDO:0016587. Disease mechanism: loss of function. Inheritance: Various modes of inheritance.
Cardiomyopathy (CMYO). Also called: Cardiomyopathies. Identifiers: Orphanet 167848, MedGen C0878544, MONDO:0004994, HP:0001638. Inheritance: Various modes of inheritance.
Cardiovascular phenotype. Identifiers: MedGen CN230736.
Familial isolated arrhythmogenic right ventricular dysplasia. Identifiers: Orphanet 217656, MedGen C4274968, MONDO:0016342.

Allele frequency attached by ClinVar (database versions not stated): ExAC 0.00002; gnomAD exomes 0.00002; gnomAD 0.00003; TOPMed 0.00003.
gnomAD v4.1: 41 of 1,613,714 alleles (0.0025%); highest among the groups gnomAD compares: East Asian, 0.0045%; no homozygotes.

Submissions (10):

Ambry Genetics
Classification: Uncertain significance for Cardiovascular phenotype. Last evaluated: 2025-08-24. Review status: criteria provided, single submitter. Criteria: Ambry Variant Classification Scheme 2023. Collection method: clinical testing. Allele origin: germline.
Comment: The p.R199C variant (also known as c.595C>T), located in coding exon 5 of the DSC2 gene, results from a C to T substitution at nucleotide position 595. The arginine at codon 199 is replaced by cysteine, an amino acid with highly dissimilar properties. This alteration has been reported in a patient with hypertrophic cardiomyopathy and in a left ventricular non-compaction cohort; however clinical details were limited in the latter case (Bottillo I et al. Gene, 2016 Feb;577:227-35; Miszalski-Jamka K et al. Circ Cardiovasc Genet, 2017 Aug;10:).This amino acid position is not well conserved in available vertebrate species. In addition, this alteration is predicted to be tolerated by in silico analysis. Since supporting evidence is limited at this time, the clinical significance of this alteration remains unclear.

CeGaT Center for Human Genetics Tuebingen
Classification: Uncertain significance. Last evaluated: 2025-05-01. Review status: criteria provided, single submitter. Criteria: CeGaT Center For Human Genetics Tuebingen Variant Classification Criteria Version 2. Collection method: clinical testing. Allele origin: germline. Affected: yes. Observed: 1 variant allele.
Comment: DSC2: PM2, BP4

Blueprint Genetics
Classification: Uncertain significance. Last evaluated: 2024-11-27. Review status: criteria provided, single submitter. Criteria: ACMG Guidelines, 2015. Collection method: clinical testing. Allele origin: germline.

All of Us Research Program, National Institutes of Health
Classification: Uncertain significance for Familial isolated arrhythmogenic right ventricular dysplasia. Last evaluated: 2024-09-23. Review status: criteria provided, single submitter. Criteria: ACMG Guidelines, 2015. Collection method: clinical testing. Allele origin: germline. Inheritance: Autosomal dominant inheritance. Observed: 9 variant alleles, 9 heterozygotes.
Comment: This missense variant replaces arginine with cysteine at codon 199 of the DSC2 protein. Computational prediction suggests that this variant may not impact protein structure and function (internally defined REVEL score threshold <= 0.5, PMID: 27666373). To our knowledge, functional studies have not been reported for this variant. This variant has been observed in an individual affected with left ventricular non-compaction (PMID: 28798025). This variant has been identified in 4/251394 chromosomes in the general population by the Genome Aggregation Database (gnomAD). The available evidence is insufficient to determine the role of this variant in disease conclusively. Therefore, this variant is classified as a Variant of Uncertain Significance.

This study involves interpretation of variants in research participants for the purpose of population health screening. Participant phenotype was not available at the time of variant classification. Additional details can be found in publication PMID: 35346344, PMCID: PMC8962531

Color Diagnostics, LLC DBA Color Health
Classification: Uncertain significance for Cardiomyopathy. Last evaluated: 2024-05-13. Review status: criteria provided, single submitter. Criteria: ACMG Guidelines, 2015. Collection method: clinical testing. Allele origin: germline.
Comment: This missense variant replaces arginine with cysteine at codon 199 of the DSC2 protein. Computational prediction suggests that this variant may not impact protein structure and function (internally defined REVEL score threshold <= 0.5, PMID: 27666373). To our knowledge, functional studies have not been reported for this variant. This variant has been observed in an individual affected with left ventricular non-compaction (PMID: 28798025). This variant has been identified in 4/251394 chromosomes in the general population by the Genome Aggregation Database (gnomAD). The available evidence is insufficient to determine the role of this variant in disease conclusively. Therefore, this variant is classified as a Variant of Uncertain Significance.

Labcorp Genetics (formerly Invitae), Labcorp
Classification: Uncertain significance for Arrhythmogenic right ventricular dysplasia 11. Last evaluated: 2023-07-12. Review status: criteria provided, single submitter. Criteria: Invitae Variant Classification Sherloc (09022015). Collection method: clinical testing. Allele origin: germline.
Comment: In summary, the available evidence is currently insufficient to determine the role of this variant in disease. Therefore, it has been classified as a Variant of Uncertain Significance. Advanced modeling of protein sequence and biophysical properties (such as structural, functional, and spatial information, amino acid conservation, physicochemical variation, residue mobility, and thermodynamic stability) performed at Invitae indicates that this missense variant is not expected to disrupt DSC2 protein function. ClinVar contains an entry for this variant (Variation ID: 496660). This missense change has been observed in individual(s) with left ventricular non-compaction (PMID: 28798025). This variant is present in population databases (rs769787593, gnomAD 0.006%). This sequence change replaces arginine, which is basic and polar, with cysteine, which is neutral and slightly polar, at codon 199 of the DSC2 protein (p.Arg199Cys).

MGZ Medical Genetics Center
Classification: Uncertain significance for Arrhythmogenic right ventricular dysplasia 11. Last evaluated: 2021-10-12. Review status: criteria provided, single submitter. Criteria: ACMG Guidelines, 2015. Collection method: clinical testing. Allele origin: germline. Affected: yes. Observed: 1 variant allele.
Comment: ACMG criteria applied: PM2_SUP

GeneDx
Classification: Uncertain significance. Last evaluated: 2020-09-16. Review status: criteria provided, single submitter. Criteria: GeneDx Variant Classification Process June 2021. Collection method: clinical testing. Allele origin: germline. Affected: yes.
Comment: Not observed at a significant frequency in large population cohorts (Lek et al., 2016); In silico analysis supports that this missense variant has a deleterious effect on protein structure/function; This variant is associated with the following publications: (PMID: 27054166, 28798025)

Illumina Laboratory Services, Illumina
Classification: Uncertain significance for Arrhythmogenic right ventricular dysplasia 11. Last evaluated: 2018-01-12. Review status: criteria provided, single submitter. Criteria: ICSL Variant Classification Criteria 13 December 2019. Collection method: clinical testing. Allele origin: germline.

CSER _CC_NCGL, University of Washington
Classification: Uncertain significance for Arrhythmogenic right ventricular dysplasia. Last evaluated: 2016-10-01. Review status: criteria provided, single submitter. Criteria: Amendola et al. (Genome Res. 2015). Collection method: research. Allele origin: germline. Affected: no. Study: CSER - NEXT Medicine variant annotation.
Comment: This interpretation considers GERP score and allele frequency data, in addition to published reports of the variant in the literature, available at the time of review.

Literature cited by the submitters: PubMed 26656175 (cited by Ambry Genetics); PubMed 27054166 (cited by Ambry Genetics); PubMed 28798025 (cited by 4 submitters).